The following is an entry in ClinVar:

NM_000214.3(JAG1):c.3590C>A (p.Thr1197Lys)

Gene: JAG1 (jagged canonical Notch ligand 1; minus strand). Cytogenetic location: 20p12.2.
Variant type: single nucleotide variant.
Coding change: c.3590C>A on transcript NM_000214.3 (MANE Select); coding-DNA position 3590, C replaced by A.
Protein change: p.Thr1197Lys; replaces threonine 1197 with lysine.
Molecular consequence: missense variant.
Genome position (GRCh38, 1-based): chr20:10,639,565, G>T on the plus strand (C>A on the coding strand, the complement: JAG1 is on the minus strand). VCF-style: chr20-10639565-G-T. GRCh37 (hg19) VCF-style: chr20-10620213-G-T.
Other names: short protein forms T1197K.
Identifiers: ClinVar variation 2631241 (VCV002631241.1), dbSNP rs770290396, ClinGen allele CA9764177.

ClinVar aggregate classification (germline): Uncertain significance (1 of 4 stars; one submission).

Conditions:
JAG1-related disorder. Also called: JAG1-related condition; JAG1-related disorders.

Allele frequency attached by ClinVar (database versions not stated): gnomAD exomes below 0.00001; ExAC 0.00001.

Submission:

PreventionGenetics, part of Exact Sciences
Classification: Uncertain significance for JAG1-related condition. Last evaluated: 2023-08-11. Review status: criteria provided, single submitter. Criteria: ACMG Guidelines, 2015. Collection method: clinical testing. Allele origin: germline.
Comment: The JAG1 c.3590C>A variant is predicted to result in the amino acid substitution p.Thr1197Lys. To our knowledge, this variant has not been reported in the literature. This variant is reported in 0.0033% of alleles in individuals of South Asian descent in gnomAD. At this time, the clinical significance of this variant is uncertain due to the absence of conclusive functional and genetic evidence.